The following is an entry in ClinVar:

NM_006940.6(SOX5):c.1760G>A (p.Ser587Asn)

Gene: SOX5 (SRY-box transcription factor 5; minus strand). Cytogenetic location: 12p12.1.
Variant type: single nucleotide variant.
Coding change: c.1760G>A on transcript NM_006940.6 (MANE Select); coding-DNA position 1760, G replaced by A.
Protein change: p.Ser587Asn; replaces serine 587 with asparagine.
Molecular consequence: missense variant.
Genome position (GRCh38, 1-based): chr12:23,543,222, C>T on the plus strand (G>A on the coding strand, the complement: SOX5 is on the minus strand). VCF-style: chr12-23543222-C-T. GRCh37 (hg19) VCF-style: chr12-23696156-C-T.
Other names: c.1397G>A, p.Ser466Asn (NM_001261414.3); c.1730G>A, p.Ser577Asn (NM_001261415.3); c.1655G>A, p.Ser552Asn (NM_001330785.2); c.1721G>A, p.Ser574Asn (NM_152989.5); c.602G>A, p.Ser201Asn (NM_178010.4); short protein forms S201N, S466N, S552N, S574N, S577N, S587N.
Identifiers: ClinVar variation 3899384 (VCV003899384.2).
Genomic context (GRCh38, chr12:23,543,222, plus strand): 5'-AACAGTACCTTTATTCCATACGTCACTTAGTTCTTAATGGTTTTCTTACCCAATATCTTG[C>T]TGATGTTGGAGTTGTGCATGTCAGGAAAGGCTTGAAGGATCTTTCTCCGTTCATCTTTAG-3'
Protein context (NP_008871.3, residues 577-597): AFPDMHNSNI[Ser587Asn]KILGSRWKAM

ClinVar aggregate classification (germline): Likely pathogenic (1 of 4 stars; one submission).

Conditions:
Lamb-Shaffer syndrome. Identifiers: Orphanet 313884, Orphanet 313892, Orphanet 530983, MedGen C4225202, MONDO:0014778, OMIM 616803.

Submission:

Juno Genomics, Hangzhou Juno Genomics, Inc
Classification: Likely pathogenic for Lamb-Shaffer syndrome. Review status: criteria provided, single submitter. Criteria: ACMG Guidelines, 2015. Collection method: clinical testing. Allele origin: germline. Affected: yes.
Comment: Absent from controls (or at extremely low frequency if recessive) in Genome Aggregation Database, Exome Sequencing Project, 1000 Genomes Project, or Exome Aggregation Consortium.;Multiple lines of computational evidence support a deleterious effect on the gene or gene product (conservation, evolutionary, splicing impact, etc).;Patient's phenotype or family history is highly specific for a disease with a single genetic etiology.;Located in a mutational hot spot and/or critical and well-established functional domain (e.g. active site of an enzyme) without benign variation.